The following is an entry in ClinVar:

ClinVar aggregate classification (germline): Uncertain significance (1 of 4 stars; one submission).

Conditions:
Hypercholesterolemia, autosomal dominant, 3 (FHCL3). Also called: PCSK9-Related Familial Hypercholesterolemia, Autosomal Dominant; Familial Hypercholesterolemia, Autosomal Dominant, 3; Familial hypercholesterolemia 3. Identifiers: MedGen C1863551, MONDO:0011369, OMIM 603776.

Submission:

All of Us Research Program, National Institutes of Health
Classification: Uncertain significance for Hypercholesterolemia, autosomal dominant, 3. Last evaluated: 2023-08-15. Review status: criteria provided, single submitter. Criteria: ACMG Guidelines, 2015. Collection method: clinical testing. Allele origin: germline. Inheritance: Autosomal dominant inheritance. Observed: 1 variant allele, 1 heterozygote.
Comment: This study involves interpretation of variants in research participants for the purpose of population health screening. Participant phenotype was not available at the time of variant classification. Additional details can be found in publication PMID: 35346344, PMCID: PMC8962531

NM_174936.4(PCSK9):c.1760A>G (p.Gln587Arg)

Gene: PCSK9 (proprotein convertase subtilisin/kexin type 9; plus strand). Cytogenetic location: 1p32.3.
Variant type: single nucleotide variant.
Coding change: c.1760A>G on transcript NM_174936.4 (MANE Select); coding-DNA position 1760, A replaced by G.
Protein change: p.Gln587Arg; replaces glutamine 587 with arginine.
Molecular consequence: missense variant. On other transcripts: non-coding transcript variant (8).
Genome position (GRCh38, 1-based): chr1:55,061,453, A>G. VCF-style: chr1-55061453-A-G. GRCh37 (hg19) VCF-style: chr1-55527126-A-G.
Other names: c.1883A>G, p.Gln628Arg (NM_001407240.1); c.1802A>G, p.Gln601Arg (NM_001407241.1); c.1763A>G, p.Gln588Arg (NM_001407242.1); c.1703A>G, p.Gln568Arg (NM_001407243.1); c.1586A>G, p.Gln529Arg (NM_001407244.1); c.1568A>G, p.Gln523Arg (NM_001407245.1); c.1385A>G, p.Gln462Arg (NM_001407246.1); c.1259A>G, p.Gln420Arg (NM_001407247.1); short protein forms Q420R, Q462R, Q523R, Q529R, Q568R, Q587R, Q588R, Q601R.
Identifiers: ClinVar variation 3069269 (VCV003069269.1), dbSNP rs2523278078, ClinGen allele CA340480306.
Genomic context (GRCh38, chr1:55,061,453, plus strand): 5'-AGGTGGAGGACCTTGGCACCCACAAGCCGCCTGTGCTGAGGCCACGAGGTCAGCCCAACC[A>G]GTGCGTGGGCCACAGGGAGGCCAGCATCCACGCTTCCTGCTGCCATGCCCCAGGTCTGGA-3'
Protein context (NP_777596.2, residues 577-597): PVLRPRGQPN[Gln587Arg]CVGHREASIH